The following is an entry in ClinVar:

NM_002693.3(POLG):c.2485C>T (p.Pro829Ser)

Gene: POLG (DNA polymerase gamma, catalytic subunit; minus strand). Cytogenetic location: 15q26.1.
Variant type: single nucleotide variant.
Coding change: c.2485C>T on transcript NM_002693.3 (MANE Select); coding-DNA position 2485, C replaced by T.
Protein change: p.Pro829Ser; replaces proline 829 with serine.
Molecular consequence: missense variant.
Genome position (GRCh38, 1-based): chr15:89,321,849, G>A on the plus strand (C>T on the coding strand, the complement: POLG is on the minus strand). VCF-style: chr15-89321849-G-A. GRCh37 (hg19) VCF-style: chr15-89865080-G-A.
Other names: c.2485C>T, p.Pro829Ser (NM_001126131.2); c.2485C>T (NM_002693.2); short protein forms P829S.
Identifiers: ClinVar variation 1405547 (VCV001405547.7), dbSNP rs906230544, ClinGen allele CA274547452.

ClinVar aggregate classification (germline): Uncertain significance. Review status: criteria provided, multiple submitters, no conflicts (2 of 4 stars). 3 submissions from 3 submitters: Uncertain significance (3). Last evaluated 2023-11-07.

Conditions:
Progressive sclerosing poliodystrophy (MTDPS4A). Also called: Mitochondrial DNA depletion syndrome 4A (Alpers type); ALPERS PROGRESSIVE INFANTILE POLIODYSTROPHY; NEURONAL DEGENERATION OF CHILDHOOD WITH LIVER DISEASE, PROGRESSIVE; Mitochondrial DNA Depletion Syndrome 4A; Alpers-Huttenlocher Syndrome (AHS); Alpers Syndrome. Identifiers: Orphanet 726, MedGen C0205710, MONDO:0008758, OMIM 203700.
Mitochondrial DNA depletion syndrome 1. Also called: Mitochondrial DNA Depletion Syndrome, MNGIE Form; Mitochondrial neurogastrointestinal encephalomyopathy syndrome; POLIP SYNDROME; POLYNEUROPATHY, OPHTHALMOPLEGIA, LEUKOENCEPHALOPATHY, AND INTESTINAL PSEUDOOBSTRUCTION; Mitochondrial DNA depletion syndrome 1 (MNGIE type); Mitochondrial Neurogastrointestinal Encephalopathy Disease. Identifiers: Orphanet 298, MedGen C4551995, MONDO:0011283, OMIM 603041.
Sensory ataxic neuropathy, dysarthria, and ophthalmoparesis (SANDO). Also called: Ataxia Neuropathy Spectrum (ANS); Epilepsy, progressive myoclonic, type 5; Sensory ataxic neuropathy-dysarthria-ophthalmoparesis syndrome; SENSORY ATAXIC NEUROPATHY WITH MITOCHONDRIAL DNA DELETIONS, AUTOSOMAL RECESSIVE. Identifiers: Orphanet 70595, MedGen C1843851, MONDO:0011835, OMIM 607459.
Progressive external ophthalmoplegia with mitochondrial DNA deletions, autosomal dominant 1 (PEOA1). Also called: PROGRESSIVE EXTERNAL OPHTHALMOPLEGIA, AUTOSOMAL DOMINANT 1; Autosomal Dominant Progressive External Ophthalmoplegia (adPEO). Identifiers: MedGen C1834846, MONDO:0024528, OMIM 157640.
Mitochondrial DNA depletion syndrome 4b. Also called: Mitochondrial Neurogastrointestinal Encephalopathy Disease, POLG-Related; MNGIE, POLG-RELATED. Identifiers: Orphanet 298, MedGen C3150914, MONDO:0013350, OMIM 613662.
Progressive external ophthalmoplegia with mitochondrial DNA deletions, autosomal recessive 1 (PEOB1). Also called: Progressive external ophthalmoplegia, autosomal recessive 1; Autosomal Recessive Progressive External Ophthalmoplegia (arPEO). Identifiers: Orphanet 254886, MedGen C4225153, MONDO:0009783, OMIM 258450.

Allele frequency attached by ClinVar (database versions not stated): gnomAD exomes below 0.00001.
gnomAD v4.1: 3 of 1,613,466 alleles (0.00019%); highest among the groups gnomAD compares: South Asian, 0.0033%; no homozygotes.

Submissions (3):

Revvity Omics, Revvity
Classification: Uncertain significance. Last evaluated: 2023-11-07. Review status: criteria provided, single submitter. Criteria: ACMG Guidelines, 2015. Collection method: clinical testing. Allele origin: germline.

Fulgent Genetics
Classification: Uncertain significance for Progressive external ophthalmoplegia with mitochondrial DNA deletions, autosomal dominant 1; Progressive sclerosing poliodystrophy; Progressive external ophthalmoplegia with mitochondrial DNA deletions, autosomal recessive 1; Mitochondrial DNA depletion syndrome 1; Sensory ataxic neuropathy, dysarthria, and ophthalmoparesis; Mitochondrial DNA depletion syndrome 4b. Last evaluated: 2021-10-25. Review status: criteria provided, single submitter. Criteria: ACMG Guidelines, 2015. Collection method: clinical testing. Allele origin: unknown.

Labcorp Genetics (formerly Invitae), Labcorp
Classification: Uncertain significance for Progressive sclerosing poliodystrophy. Last evaluated: 2021-08-30. Review status: criteria provided, single submitter. Criteria: Invitae Variant Classification Sherloc (09022015). Collection method: clinical testing. Allele origin: germline.
Comment: This sequence change replaces proline with serine at codon 829 of the POLG protein (p.Pro829Ser). The proline residue is moderately conserved and there is a moderate physicochemical difference between proline and serine. This variant is not present in population databases (ExAC no frequency). This variant has not been reported in the literature in individuals affected with POLG-related conditions. Algorithms developed to predict the effect of missense changes on protein structure and function output the following: SIFT: "Tolerated"; PolyPhen-2: "Benign"; Align-GVGD: "Class C0". The serine amino acid residue is found in multiple mammalian species, which suggests that this missense change does not adversely affect protein function. In summary, the available evidence is currently insufficient to determine the role of this variant in disease. Therefore, it has been classified as a Variant of Uncertain Significance.